The following is an entry in ClinVar:

NM_004409.5(DMPK):c.*224CTG[501]

Genes: DM1-AS (DM1 locus antisense RNA; plus strand), DMPK (DM1 protein kinase; minus strand), LOC107075317 (origin of replication in DMPK trinucleotide repeat region; plus strand), LOC109461477 (dystrophia myotonica protein kinase repeat instability region; plus strand). Cytogenetic location: 19q13.32.
Variant type: Microsatellite.
Coding change: c.*224CTG[501] on transcript NM_004409.5 (MANE Select); 501 copies in a row of the 3-base unit CTG starting at c.*224.
Molecular consequence: 3 prime UTR variant.
Genome position: GRCh38, VCF-style position (the base before the change): chr19:45,770,204. GRCh37 (hg19), VCF-style position (the base before the change): chr19:46,273,462.
Other names: DM1 CTG repeat expansion; c.*222_*224TGC[501] (NM_001081563.3); c.*224CTG[501] (NM_001288764.2, NM_001424165.1, NM_001424169.1 and 1 more transcripts); c.*217CTG[501] (NM_001288765.2, NM_001424162.1, NM_001424163.1 and 2 more transcripts); c.*369CTG[501] (NM_001288766.2, NM_001424164.1, NM_001424168.1).
Identifiers: ClinVar variation 187993 (VCV000187993.1), ClinGen allele CA915951815.

ClinVar aggregate classification (germline): Pathogenic (0 of 4 stars; one submission).

Conditions:
Steinert myotonic dystrophy syndrome (DM1). Also called: STEINERT DISEASE; Myotonic dystrophy type 1; Dystrophia myotonica type 1; Steinert myotonic dystrophy; Steinert's disease. Identifiers: Orphanet 273, MedGen C3250443, MONDO:0008056, OMIM 160900.

Submission:

Institute of Molecular, Cell and Systems Biology, University of Glasgow
Classification: Pathogenic for Steinert myotonic dystrophy syndrome. Review status: no assertion criteria provided. Criteria: research. Collection method: research. Allele origin: germline. Inheritance: Autosomal dominant inheritance. Affected: yes. Observed: 1 heterozygote.
Comment: DMPK CTG repeat expansions greater than approximately 45-50 repeats are assumed to be pathogenic

This record is based on data published in PubMed 25052313, which reports only ClinVar accessions SCV000120188 and SCV000120189. The complete data set includes SCV000207445 - SCV000207579.

Literature cited by the submitters: PubMed 1346923; PubMed 1546326; PubMed 25052313.